The following is an entry in ClinVar:

NM_001145358.2(SIN3A):c.1222G>C (p.Val408Leu)

Gene: SIN3A (SIN3 transcription regulator family member A; minus strand). Cytogenetic location: 15q24.2.
Variant type: single nucleotide variant.
Coding change: c.1222G>C on transcript NM_001145358.2 (MANE Select); coding-DNA position 1222, G replaced by C.
Protein change: p.Val408Leu; replaces valine 408 with leucine.
Molecular consequence: missense variant.
Genome position (GRCh38, 1-based): chr15:75,409,931, C>G on the plus strand (G>C on the coding strand, the complement: SIN3A is on the minus strand). VCF-style: chr15-75409931-C-G. GRCh37 (hg19) VCF-style: chr15-75702272-C-G.
Other names: c.1222G>C, p.Val408Leu (NM_001145357.2, NM_015477.3); short protein forms V408L.
Identifiers: ClinVar variation 2501388 (VCV002501388.1), dbSNP rs2542679853, ClinGen allele CA393443711.

ClinVar aggregate classification (germline): Uncertain significance (1 of 4 stars; one submission).

Submission:

GeneDx
Classification: Uncertain significance. Last evaluated: 2022-11-02. Review status: criteria provided, single submitter. Criteria: GeneDx Variant Classification Process June 2021. Collection method: clinical testing. Allele origin: germline. Affected: yes.
Comment: Not observed at significant frequency in large population cohorts (gnomAD); In silico analysis supports that this missense variant does not alter protein structure/function; Has not been previously published as pathogenic or benign to our knowledge